The following is an entry in ClinVar:

ClinVar aggregate classification (germline): Likely pathogenic. Review status: criteria provided, multiple submitters, no conflicts (2 of 4 stars). 2 submissions from 2 submitters: Likely pathogenic (2). Last evaluated 2025-04-17.

Conditions:
Aicardi-Goutieres syndrome 2. Identifiers: Orphanet 51, MedGen C3489724, MONDO:0012429, OMIM 610181.

Allele frequency attached by ClinVar (database versions not stated): ExAC 0.00001; gnomAD exomes below 0.00001.
gnomAD v4.1: 7 of 1,596,558 alleles (0.00044%); highest among the groups gnomAD compares: Non-Finnish European, 0.00052%; no homozygotes.

Submissions (2):

Labcorp Genetics (formerly Invitae), Labcorp
Classification: Likely pathogenic for Aicardi-Goutieres syndrome 2. Last evaluated: 2025-04-17. Review status: criteria provided, single submitter. Criteria: Invitae Variant Classification Sherloc (09022015). Collection method: clinical testing. Allele origin: germline.
Comment: This sequence change falls in intron 4 of the RNASEH2B gene. It does not directly change the encoded amino acid sequence of the RNASEH2B protein. RNA analysis indicates that this variant induces altered splicing and may result in an absent or altered protein product. This variant is present in population databases (rs767139201, gnomAD 0.0009%). This variant has been observed in individual(s) with Aicardi–Goutieres syndrome (PMID: 22882256). It is commonly reported in individuals of Faroe Islanders ancestry (PMID: 22882256). ClinVar contains an entry for this variant (Variation ID: 2691933). Variants that disrupt the consensus splice site are a relatively common cause of aberrant splicing (PMID: 17576681, 9536098). Studies have shown that this variant results in skipping of exon 5, and produces a non-functional protein and/or introduces a premature termination codon (PMID: 22882256). In summary, the currently available evidence indicates that the variant is pathogenic, but additional data are needed to prove that conclusively. Therefore, this variant has been classified as Likely Pathogenic.

Center for Genomic Medicine, Rigshospitalet, Copenhagen University Hospital
Classification: Likely pathogenic. Last evaluated: 2025-03-04. Review status: criteria provided, single submitter. Criteria: ACMG Guidelines, 2015. Collection method: clinical testing. Allele origin: germline.

Literature cited by the submitters: PubMed 22882256 (cited by Labcorp Genetics (formerly Invitae), Labcorp and Center for Genomic Medicine, Rigshospitalet, Copenhagen University Hospital); PubMed 17576681 (cited by Labcorp Genetics (formerly Invitae), Labcorp); PubMed 9536098 (cited by Labcorp Genetics (formerly Invitae), Labcorp).

NM_024570.4(RNASEH2B):c.322-3C>G

Gene: RNASEH2B (ribonuclease H2 subunit B; plus strand). Cytogenetic location: 13q14.3.
Variant type: single nucleotide variant.
Coding change: c.322-3C>G on transcript NM_024570.4 (MANE Select); 3 bases into the intron before coding-DNA position 322, C replaced by G.
Molecular consequence: intron variant.
Genome position (GRCh38, 1-based): chr13:50,934,882, C>G. VCF-style: chr13-50934882-C-G. GRCh37 (hg19) VCF-style: chr13-51509018-C-G.
Other names: c.322-3C>G (NM_001142279.2, NM_001411023.1).
Identifiers: ClinVar variation 2691933 (VCV002691933.4), dbSNP rs767139201, ClinGen allele CA6985544.